The following is an entry in ClinVar:

ClinVar aggregate classification (germline): Benign/Likely benign. Review status: criteria provided, multiple submitters, no conflicts (2 of 4 stars). 6 submissions from 6 submitters: Benign (1); Likely benign (5). Last evaluated 2026-07-01.

Conditions:
HEPACAM-related disorder. Also called: HEPACAM-related condition.
Megalencephalic leukoencephalopathy with subcortical cysts. Also called: VAN DER KNAAP DISEASE. Identifiers: Orphanet 2478, MedGen C1858854, MONDO:0011391.

Allele frequency attached by ClinVar (database versions not stated): gnomAD exomes 0.00023 and 0.00049; ExAC 0.00055; gnomAD 0.00157 and 0.00162; ESP Exome Variant Server 0.00177; TOPMed 0.00181; 1000 Genomes Project 30x 0.00265; 1000 Genomes Project 0.00280.
gnomAD v4.1: 598 of 1,614,178 alleles (0.037%); highest among the groups gnomAD compares: African/African-American, 0.5%; 1 homozygote.

Submissions (6):

CeGaT Center for Human Genetics Tuebingen
Classification: Likely benign. Last evaluated: 2026-07-01. Review status: criteria provided, single submitter. Criteria: CeGaT Center For Human Genetics Tuebingen Variant Classification Criteria Version 2. Collection method: clinical testing. Allele origin: germline. Affected: yes. Observed: 2 variant alleles.
Comment: HEPACAM: BP4, BP7

PreventionGenetics, part of Exact Sciences
Classification: Likely benign for HEPACAM-related condition. Last evaluated: 2025-10-02. Review status: criteria provided, single submitter. Criteria: ACMG Guidelines, 2015. Collection method: clinical testing. Allele origin: germline.
Comment: This variant is classified as likely benign based on ACMG/AMP sequence variant interpretation guidelines (Richards et al. 2015 PMID: 25741868, with internal and published modifications).

Labcorp Genetics (formerly Invitae), Labcorp
Classification: Benign. Last evaluated: 2025-08-18. Review status: criteria provided, single submitter. Criteria: Invitae Variant Classification Sherloc (09022015). Collection method: clinical testing. Allele origin: germline.

Blueprint Genetics
Classification: Likely benign. Last evaluated: 2024-11-27. Review status: criteria provided, single submitter. Criteria: ACMG Guidelines, 2015. Collection method: clinical testing. Allele origin: germline.

Illumina Laboratory Services, Illumina
Classification: Likely benign for Megalencephalic leukoencephalopathy with subcortical cysts. Last evaluated: 2018-01-12. Review status: criteria provided, single submitter. Criteria: ICSL Variant Classification Criteria 13 December 2019. Collection method: clinical testing. Allele origin: germline.
Comment: This variant was observed in the ICSL laboratory as part of a predisposition screen in an ostensibly healthy population. It had not been previously curated by ICSL or reported in the Human Gene Mutation Database (HGMD: prior to June 1st, 2018), and was therefore a candidate for classification through an automated scoring system. Utilizing variant allele frequency, disease prevalence and penetrance estimates, and inheritance mode, an automated score was calculated to assess if this variant is too frequent to cause the disease. Based on the score and internal cut-off values, a variant classified as likely benign is not then subjected to further curation. The score for this variant resulted in a classification of likely benign for this disease.

Breakthrough Genomics
Classification: Likely benign. Review status: criteria provided, single submitter. Criteria: ACMG Guidelines, 2015. Collection method: not provided. Allele origin: germline. Inheritance: Autosomal recessive inheritance. Affected: yes.

NM_152722.5(HEPACAM):c.234C>T (p.Thr78=)

Gene: HEPACAM (hepatic and glial cell adhesion molecule; minus strand). Cytogenetic location: 11q24.2.
Variant type: single nucleotide variant.
Coding change: c.234C>T on transcript NM_152722.5 (MANE Select); coding-DNA position 234, C replaced by T.
Protein change: p.Thr78=; no amino-acid change (threonine 78 retained).
Molecular consequence: synonymous variant.
Genome position (GRCh38, 1-based): chr11:124,924,921, G>A on the plus strand (C>T on the coding strand, the complement: HEPACAM is on the minus strand). VCF-style: chr11-124924921-G-A. GRCh37 (hg19) VCF-style: chr11-124794817-G-A.
Identifiers: ClinVar variation 776677 (VCV000776677.18), dbSNP rs139887254, ClinGen allele CA6345784.